The following is an entry in ClinVar:

ClinVar aggregate classification (germline): Conflicting classifications of pathogenicity. Review status: criteria provided, conflicting classifications (1 of 4 stars). 2 submissions from 2 submitters: Uncertain significance (1); Likely benign (1). Last evaluated 2023-03-23.

Conditions:
Hereditary cancer-predisposing syndrome. Also called: Neoplastic Syndromes, Hereditary; Hereditary Cancer Syndrome; Hereditary neoplastic syndrome; Tumor predisposition. Identifiers: Orphanet 140162, MedGen C0027672, MeSH D009386, MONDO:0015356.
Hereditary breast ovarian cancer syndrome. Also called: Hereditary breast and/or ovarian cancer syndrome; BRCA1- and BRCA2-Associated Hereditary Breast and Ovarian Cancer; Hereditary breast and ovarian cancer syndrome; Hereditary breast and ovarian cancer; Hereditary breast and ovarian cancer syndrome (HBOC); Breast and ovarian cancer. Identifiers: Orphanet 145, MedGen C0677776, MeSH D061325, MONDO:0003582. Disease mechanism: loss of function.

Submissions (2):

University of Washington Department of Laboratory Medicine, University of Washington
Classification: Likely benign for Hereditary cancer-predisposing syndrome. Last evaluated: 2023-03-23. Review status: criteria provided, single submitter. Criteria: Dines et al. (Genet Med. 2020). Collection method: curation. Allele origin: germline.
Comment: Missense variant in a coldspot region where missense variants are very unlikely to be pathogenic (PMID:31911673).

BRCA1 coldspot (exon 11 using historical exon numbering). Reclassification based on statistical prior probability

Labcorp Genetics (formerly Invitae), Labcorp
Classification: Uncertain significance for Hereditary breast ovarian cancer syndrome. Last evaluated: 2021-08-26. Review status: criteria provided, single submitter. Criteria: Invitae Variant Classification Sherloc (09022015). Collection method: clinical testing. Allele origin: germline.
Comment: In summary, the available evidence is currently insufficient to determine the role of this variant in disease. Therefore, it has been classified as a Variant of Uncertain Significance. Algorithms developed to predict the effect of sequence changes on RNA splicing suggest that this variant may create or strengthen a splice site. Advanced modeling of protein sequence and biophysical properties (such as structural, functional, and spatial information, amino acid conservation, physicochemical variation, residue mobility, and thermodynamic stability) performed at Invitae indicates that this missense variant is not expected to disrupt BRCA1 protein function. This variant has not been reported in the literature in individuals affected with BRCA1-related conditions. This variant is not present in population databases (ExAC no frequency). This sequence change replaces aspartic acid with glycine at codon 1343 of the BRCA1 protein (p.Asp1343Gly). The aspartic acid residue is moderately conserved and there is a moderate physicochemical difference between aspartic acid and glycine.

NM_007294.4(BRCA1):c.4028A>G (p.Asp1343Gly)

Genes: BRCA1 (BRCA1 DNA repair associated; minus strand), LOC126862571 (BRD4-independent group 4 enhancer GRCh37_chr17:41243136-41244335; plus strand). Cytogenetic location: 17q21.31.
Variant type: single nucleotide variant.
Coding change: c.4028A>G on transcript NM_007294.4 (MANE Select); coding-DNA position 4028, A replaced by G.
Protein change: p.Asp1343Gly; replaces aspartic acid 1343 with glycine.
Molecular consequence: missense variant. On other transcripts: intron variant (135).
Genome position (GRCh38, 1-based): chr17:43,091,503, T>C on the plus strand (A>G on the coding strand, the complement: BRCA1 is on the minus strand). VCF-style: chr17-43091503-T-C. GRCh37 (hg19) VCF-style: chr17-41243520-T-C.
Other names: c.3815A>G, p.Asp1272Gly (NM_001407571.1, NM_001407853.1, NM_001407894.1 and 9 more transcripts); c.4028A>G, p.Asp1343Gly (NM_001407581.1, NM_001407582.1, NM_001407583.1 and 30 more transcripts); c.4025A>G, p.Asp1342Gly (NM_001407587.1, NM_001407590.1, NM_001407591.1 and 22 more transcripts); c.4019A>G, p.Asp1340Gly (NM_001407646.1, NM_001407647.1); c.3905A>G, p.Asp1302Gly (NM_001407648.1, NM_001407664.1, NM_001407665.1 and 19 more transcripts); c.3902A>G, p.Asp1301Gly (NM_001407649.1, NM_001407670.1, NM_001407671.1 and 11 more transcripts); c.3950A>G, p.Asp1317Gly (NM_001407653.1, NM_001407654.1, NM_001407655.1 and 4 more transcripts); c.3947A>G, p.Asp1316Gly (NM_001407659.1, NM_001407660.1, NM_001407661.1 and 1 more transcripts); and 41 more; short protein forms D1343G, D1296G, D1175G, D1275G, D1295G, D1340G, D1216G, D1254G.
Identifiers: ClinVar variation 1421304 (VCV001421304.9), dbSNP rs775339017, ClinGen allele CA10593902.